The following is an entry in ClinVar:

NM_003873.7(NRP1):c.1408G>A (p.Gly470Ser)

Gene: NRP1 (neuropilin 1; minus strand). Cytogenetic location: 10p11.22.
Variant type: single nucleotide variant.
Coding change: c.1408G>A on transcript NM_003873.7 (MANE Select); coding-DNA position 1408, G replaced by A.
Protein change: p.Gly470Ser; replaces glycine 470 with serine.
Molecular consequence: missense variant. On other transcripts: non-coding transcript variant (1).
Genome position (GRCh38, 1-based): chr10:33,213,592, C>T on the plus strand (G>A on the coding strand, the complement: NRP1 is on the minus strand). VCF-style: chr10-33213592-C-T. GRCh37 (hg19) VCF-style: chr10-33502520-C-T.
Other names: c.1408G>A, p.Gly470Ser (NM_001024628.3, NM_001024629.3, NM_001244972.2 and 2 more transcripts); short protein forms G470S.
Identifiers: ClinVar variation 5001140 (VCV005001140.1).

ClinVar aggregate classification (germline): Uncertain significance (1 of 4 stars; one submission).

Conditions:
NRP1-related disorder. Also called: NRP1-related condition.

Submission:

PreventionGenetics, part of Exact Sciences
Classification: Uncertain significance for NRP1-related condition. Last evaluated: 2025-06-24. Review status: criteria provided, single submitter. Criteria: ACMG Guidelines, 2015. Collection method: clinical testing. Allele origin: germline.
Comment: The NRP1 c.1408G>A variant is predicted to result in the amino acid substitution p.Gly470Ser. To our knowledge, this variant has not been reported in the literature or in a large population database (gnomAD), indicating this variant is rare. At this time, the clinical significance of this variant is uncertain due to the absence of conclusive functional and genetic evidence.